The following is an entry in ClinVar:

ClinVar aggregate classification (germline): Likely benign. Review status: criteria provided, multiple submitters, no conflicts (2 of 4 stars). 2 submissions from 2 submitters: Likely benign (2). Last evaluated 2026-05-11.

Conditions:
GFM1-related disorder. Also called: GFM1-related condition.

Allele frequency attached by ClinVar (database versions not stated): gnomAD exomes below 0.00001 and 0.00001; TOPMed 0.00001; ExAC 0.00001; gnomAD 0.00001.
gnomAD v4.1: 11 of 1,612,318 alleles (0.00068%); highest among the groups gnomAD compares: East Asian, 0.0022%; no homozygotes.

Submissions (2):

PreventionGenetics, part of Exact Sciences
Classification: Likely benign for GFM1-related condition. Last evaluated: 2026-05-11. Review status: criteria provided, single submitter. Criteria: ACMG Guidelines, 2015. Collection method: clinical testing. Allele origin: germline.
Comment: This variant is classified as likely benign based on ACMG/AMP sequence variant interpretation guidelines (Richards et al. 2015 PMID: 25741868, with internal and published modifications).

Labcorp Genetics (formerly Invitae), Labcorp
Classification: Likely benign. Last evaluated: 2024-02-18. Review status: criteria provided, single submitter. Criteria: Invitae Variant Classification Sherloc (09022015). Collection method: clinical testing. Allele origin: germline.

NM_024996.7(GFM1):c.168T>C (p.Asp56=)

Gene: GFM1 (G elongation factor mitochondrial 1; plus strand). Cytogenetic location: 3q25.32.
Variant type: single nucleotide variant.
Coding change: c.168T>C on transcript NM_024996.7 (MANE Select); coding-DNA position 168, T replaced by C.
Protein change: p.Asp56=; no amino-acid change (aspartic acid 56 retained).
Molecular consequence: synonymous variant. On other transcripts: 5 prime UTR variant (4), non-coding transcript variant (4).
Genome position (GRCh38, 1-based): chr3:158,645,715, T>C. VCF-style: chr3-158645715-T-C. GRCh37 (hg19) VCF-style: chr3-158363504-T-C.
Other names: c.168T>C, p.Asp56= (NM_001308164.2, NM_001308166.2, NM_001374355.1 and 2 more transcripts); c.-58T>C (NM_001374357.1); c.-62T>C (NM_001374359.1, NM_001374360.1, NM_001374361.1); c.168T>C (NM_001308164.1).
Identifiers: ClinVar variation 1096195 (VCV001096195.10), dbSNP rs768555221, ClinGen allele CA2682238.